The following is an entry in ClinVar:

NM_000459.5(TEK):c.2753G>A (p.Arg918His)

Gene: TEK (TEK receptor tyrosine kinase; plus strand). Cytogenetic location: 9p21.2.
Variant type: single nucleotide variant.
Coding change: c.2753G>A on transcript NM_000459.5 (MANE Select); coding-DNA position 2753, G replaced by A.
Protein change: p.Arg918His; replaces arginine 918 with histidine.
Molecular consequence: missense variant.
Genome position (GRCh38, 1-based): chr9:27,212,773, G>A. VCF-style: chr9-27212773-G-A. GRCh37 (hg19) VCF-style: chr9-27212771-G-A.
Other names: c.2624G>A, p.Arg875His (NM_001290077.2); c.2309G>A, p.Arg770His (NM_001290078.2); c.2750G>A, p.Arg917His (NM_001375475.1); c.2621G>A, p.Arg874His (NM_001375476.1); short protein forms R918H, R875H, R770H, R874H, R917H.
Identifiers: ClinVar variation 452884 (VCV000452884.9), dbSNP rs1554701458, ClinGen allele CA373123039.
Genomic context (GRCh38, chr9:27,212,773, plus strand): 5'-TGTACCTGGCCATTGAGTACGCGCCCCATGGAAACCTTCTGGACTTCCTTCGCAAGAGCC[G>A]TGTGCTGGAGACGGACCCAGCATTTGCCATTGCCAATAGCACCGCGTCCACACTGTCCTC-3'
Protein context (NP_000450.3, residues 908-928): GNLLDFLRKS[Arg918His]VLETDPAFAI

ClinVar aggregate classification (germline): Conflicting classifications of pathogenicity. Review status: criteria provided, conflicting classifications (1 of 4 stars). 6 submissions from 6 submitters: Likely pathogenic (3); Uncertain significance (2). 1 of the submissions does not count toward it. Last evaluated 2025-09-10.

Conditions:
Vascular malformation. Also called: Vascular malformations. Identifiers: MedGen C0158570, MONDO:0024291.
Neutropenia, severe congenital, 2, autosomal dominant. Identifiers: Orphanet 486, MedGen C2751288, MONDO:0013139, OMIM 613107.
Abnormal cardiovascular system morphology. Also called: Abnormality of cardiovascular system morphology. Identifiers: MedGen C4049796, HP:0030680.
Segmental undergrowth associated with venous malformation without capillary component.

Submissions (6):

Genomic Medicine Center of Excellence, King Faisal Specialist Hospital and Research Centre
Classification: Likely pathogenic for Neutropenia, severe congenital, 2, autosomal dominant. Last evaluated: 2025-09-10. Review status: criteria provided, single submitter. Criteria: ACMG Guidelines, 2015. Collection method: clinical testing. Allele origin: germline.

Clinical Genomics Laboratory, Washington University in St. Louis
Classification: Likely pathogenic for Vascular malformation. Last evaluated: 2023-09-06. Review status: criteria provided, single submitter. Criteria: ACMG Guidelines, 2015. Collection method: clinical testing. Allele origin: somatic. Affected: yes.
Comment: The TEK c.2753G>A (p.Arg918His) variant was identified at an allelic fraction consistent with somatic origin. This variant has been reported in several individuals with venous malformations and Blue Rubber Bleb Nevus Syndrome (Limaye N et al., PMID: 26637981; Ye C et al., PMID: 21962923; Paolacci S et al., PMID: 33105631; Soblet J et al., PMID: 27519652). This variant has been reported in the ClinVar database as a likely pathogenic somatic variant by one submitter (ClinVar ID: 452884). This variant is absent from the general population (gnomAD v.3.1.2), indicating it is not a common variant. Another variant in the same codon, c.2752C>T (p.Arg918Cys), has been reported in multiple individuals affected with venous malformations (Ten Broek RW et al., PMID: 30677207; Limaye N et al., PMID: 26637981; Ye C et al., PMID: 21962923; Soblet J et al., PMID: 23801934; Paolacci S et al., PMID: 33105631; Soblet J et al., PMID: 27519652; ClinVar Variation ID: 981228). The TEK c.2753G>A (p.Arg918His) variant resides within a catalytic domain of the protein Tyrosine Kinase, Tie2, A816-A1118, of TEK that is defined as a critical functional domain (Shewchuk LM et al., PMID: 11080633). Computational predictors indicate that the variant is damaging, evidence that correlates with impact on TEK function. Based on an internally-developed protocol informed by the ACMG/AMP guidelines (Richards S et al., PMID: 25741868) and gene-specific practices from the ClinGen Criteria Specification Registry, the TEK c.2753G>A (p.Arg918His) variant is classified as likely pathogenic.

Seattle Children's Hospital Molecular Genetics Laboratory, Seattle Children's Hospital
Classification: Uncertain significance. Last evaluated: 2021-04-23. Review status: criteria provided, single submitter. Criteria: ACMG Guidelines, 2015. Collection method: clinical testing. Allele origin: somatic. Affected: yes. Observed: 7 variant alleles. Clinical features observed: Venous malformation (HP:0012721), Vascular skin abnormality (HP:0011276), Neoplasm (HP:0002664).
Comment: The p.Arg918His substitution was described in a single patient (case #30, PMID: 33105631) with venous malformation.

Institute of Medical and Molecular Genetics, Hospital Universitario La Paz
Classification: Likely pathogenic for Segmental undergrowth associated with venous malformation without capillary component. Last evaluated: 2021-04-06. Review status: criteria provided, single submitter. Criteria: ACMG Guidelines, 2015. Collection method: clinical testing. Allele origin: somatic. Affected: yes. Observed: 1 variant allele.

GeneDx
Classification: Uncertain significance. Last evaluated: 2017-10-20. Review status: criteria provided, single submitter. Criteria: GeneDx Variant Classification (06012015). Collection method: clinical testing. Allele origin: germline. Affected: yes.
Comment: The R918H variant in the TEK gene has been previously reported as a somatic variant in vascular malformations, but has not been reported in the germline (Ye et al., 2011). A different missense variant at the same residue, R918C, has been identified in a family with hereditary cutaneomucosal venous malformations (Wouters et al., 2010). The R918H variant is not observed in large population cohorts (Lek et al., 2016). The R918H variant is a conservative amino acid substitution, which is not likely to impact secondary protein structure as these residues share similar properties. This substitution occurs at a position with the protein kinase domain that is conserved across species, and in silico analysis predicts this variant is probably damaging to the protein structure/function. We interpret R918H as a variant of uncertain significance.

MAGI's Lab - Research, MAGI Group
Classification: Pathogenic for Abnormal cardiovascular system morphology. Review status: no assertion criteria provided. Collection method: provider interpretation. Allele origin: somatic. Affected: yes. Not counted in ClinVar's aggregate classification.